The following is an entry in ClinVar:

ClinVar aggregate classification (germline): Likely pathogenic. Review status: criteria provided, multiple submitters, no conflicts (2 of 4 stars). 2 submissions from 2 submitters: Likely pathogenic (2). Last evaluated 2024-05-31.

Conditions:
Hereditary cancer-predisposing syndrome. Also called: Hereditary neoplastic syndrome; Tumor predisposition; Hereditary Cancer Syndrome; Neoplastic Syndromes, Hereditary. Identifiers: Orphanet 140162, MedGen C0027672, MeSH D009386, MONDO:0015356.
Familial cancer of breast. Also called: BREAST CANCER, FAMILIAL; hereditary breast carcinoma; Hereditary breast cancer. Identifiers: Orphanet 227535, MedGen C0346153, MONDO:0016419, OMIM 114480. Disease mechanism: loss of function.

Submissions (2):

Ambry Genetics
Classification: Likely pathogenic for Hereditary cancer-predisposing syndrome. Last evaluated: 2024-05-31. Review status: criteria provided, single submitter. Criteria: Ambry Variant Classification Scheme 2023. Collection method: clinical testing. Allele origin: germline.
Comment: The c.792+1G>C intronic variant results from a G to C substitution one nucleotide after coding exon 5 of the CHEK2 gene. This nucleotide position is highly conserved in available vertebrate species. In silico splice site analysis predicts that this alteration will weaken the native splice donor site; however, direct evidence is insufficient at this time (Ambry internal data). This variant is considered to be rare based on population cohorts in the Genome Aggregation Database (gnomAD). Alterations that disrupt the canonical splice site are expected to cause aberrant splicing, resulting in an abnormal protein or a transcript that is subject to nonsense-mediated mRNA decay. As such, this alteration is classified as likely pathogenic.

Myriad Genetics, Inc.
Classification: Likely pathogenic for Familial cancer of breast. Last evaluated: 2023-06-27. Review status: criteria provided, single submitter. Criteria: Myriad Autosomal Dominant, Autosomal Recessive and X-Linked Classification Criteria (2023). Collection method: clinical testing. Allele origin: unknown.
Comment: This variant is considered likely pathogenic. This variant occurs within a consensus splice junction and is predicted to result in abnormal mRNA splicing of either an out-of-frame exon or an in-frame exon necessary for protein stability and/or normal function.

NM_007194.4(CHEK2):c.792+1G>C

Gene: CHEK2 (checkpoint kinase 2; minus strand). Cytogenetic location: 22q12.1.
Variant type: single nucleotide variant.
Coding change: c.792+1G>C on transcript NM_007194.4 (MANE Select); the canonical splice donor site of the intron after coding-DNA position 792, G replaced by C.
Molecular consequence: splice donor variant.
Genome position (GRCh38, 1-based): chr22:28,711,908, C>G on the plus strand (G>C on the coding strand, the complement: CHEK2 is on the minus strand). VCF-style: chr22-28711908-C-G. GRCh37 (hg19) VCF-style: chr22-29107896-C-G.
Other names: c.129+1G>C (NM_001437942.1, NM_001257387.3); c.591+1G>C (NM_001349956.3); c.792+1G>C (NM_145862.3); c.885+1G>C (NM_001438295.1, NM_001438293.1); c.921+1G>C (NM_001438294.1, NM_001005735.3).
Identifiers: ClinVar variation 2584267 (VCV002584267.3), dbSNP rs1555921011, ClinGen allele CA411103028.